The following is an entry in ClinVar:

ClinVar aggregate classification (germline): Uncertain significance (0 of 4 stars; one submission).

Conditions:
TUB-related disorder. Also called: TUB-related condition.

Submission:

PreventionGenetics, part of Exact Sciences
Classification: Uncertain significance for TUB-related condition. Last evaluated: 2024-08-16. Review status: no assertion criteria provided. Collection method: clinical testing. Allele origin: germline.
Comment: The TUB c.2T>G variant is predicted to disrupt the translation initiation site (Start loss). This variant corresponds to a deep intronic position in the primary transcript for this gene TUB(NM_003320.5):c.204-8098T>G. To our knowledge, this variant has not been reported in the literature. This variant is reported in 0.0079% of alleles in individuals of Latino descent in gnomAD. At this time, the clinical significance of this variant is classified as uncertain due to the absence of conclusive functional and genetic evidence.

NM_177972.3(TUB):c.2T>G (p.Met1Arg)

Gene: TUB (TUB bipartite transcription factor; plus strand). Cytogenetic location: 11p15.4.
Variant type: single nucleotide variant.
Coding change: c.2T>G on transcript NM_177972.3 (MANE Select); coding-DNA position 2, T replaced by G.
Protein change: p.Met1Arg; changes the start codon (methionine 1).
Molecular consequence: missense variant, initiator codon variant. On other transcripts: intron variant (1).
Genome position (GRCh38, 1-based): chr11:8,081,512, T>G. VCF-style: chr11-8081512-T-G. GRCh37 (hg19) VCF-style: chr11-8103059-T-G.
Other names: c.204-8098T>G (NM_003320.5); short protein forms M1R.
Identifiers: ClinVar variation 3352837 (VCV003352837.1).